The following is an entry in ClinVar:

NM_001005273.3(CHD3):c.4507C>T (p.Gln1503Ter)

Gene: CHD3 (chromodomain helicase DNA binding protein 3; plus strand). Cytogenetic location: 17p13.1.
Variant type: single nucleotide variant.
Coding change: c.4507C>T on transcript NM_001005273.3 (MANE Select); coding-DNA position 4507, C replaced by T.
Protein change: p.Gln1503Ter; replaces glutamine 1503 with a stop codon.
Molecular consequence: nonsense.
Genome position (GRCh38, 1-based): chr17:7,906,872, C>T. VCF-style: chr17-7906872-C-T. GRCh37 (hg19) VCF-style: chr17-7810190-C-T.
Other names: c.4684C>T, p.Gln1562Ter (NM_001005271.3); c.4507C>T, p.Gln1503Ter (NM_005852.4); short protein forms Q1503*, Q1562*.
Identifiers: ClinVar variation 1805076 (VCV001805076.1), dbSNP rs2545084462, ClinGen allele CA397946476.

ClinVar aggregate classification (germline): Pathogenic (1 of 4 stars; one submission).

Conditions:
Snijders Blok-Campeau syndrome. Also called: INTELLECTUAL DEVELOPMENTAL DISORDER WITH MACROCEPHALY, SPEECH DELAY, AND DYSMORPHIC FACIES. Identifiers: Orphanet 599082, MedGen C4748701, MONDO:0032600, OMIM 618205.

Submission:

Victorian Clinical Genetics Services, Murdoch Childrens Research Institute
Classification: Pathogenic for Snijders Blok-Campeau syndrome. Last evaluated: 2022-02-02. Review status: criteria provided, single submitter. Criteria: ACMG Guidelines, 2015. Collection method: clinical testing. Allele origin: germline. Inheritance: Autosomal dominant inheritance. Affected: yes.
Comment: Based on the classification scheme VCGS_Germline_v1.3.4, this variant is classified as Pathogenic. Following criteria are met: 0103 - Loss of function and gain of function are known mechanisms of disease in this gene and are associated with Snijders Blok-Campeau syndrome (MIM#618205), however no clear genotype-phenotype correlations have been identified to determine how both overactivity and underactivity of CHD3 can result in the same phenotype (PMID: 32483341). (I) 0107 - This gene is associated with autosomal dominant disease. (I) 0201 - Variant is predicted to cause nonsense-mediated decay (NMD) and loss of protein (premature termination codon is located at least 54 nucleotides upstream of the final exon-exon junction). (SP) 0251 - This variant is heterozygous. (I) 0301 - Variant is absent from gnomAD (both v2 and v3). (SP) 0702 - Other NMD-predicted variants comparable to the one identified in this case have strong previous evidence for pathogenicity (ClinVar, PMID:30397230, 32483341). (SP) 0807 - This variant has no previous evidence of pathogenicity. (I) 0905 - No published segregation evidence has been identified for this variant. (I) 1007 - No published functional evidence has been identified for this variant. (SP) Legend: (SP) - Supporting pathogenic, (I) - Information, (SB) - Supporting benign

Literature cited by the submitters: PubMed 30397230; PubMed 32483341.